The following is an entry in ClinVar:

ClinVar aggregate classification (germline): Uncertain significance (1 of 4 stars; one submission).

Conditions:
BRSK2-associated neurodevelopmental disorder.

Submission:

Institute of Human Genetics, University of Leipzig Medical Center
Classification: Uncertain significance for BRSK2-associated neurodevelopmental disorder. Last evaluated: 2026-04-20. Review status: criteria provided, single submitter. Criteria: ACMG Guidelines, 2015. Collection method: clinical testing. Allele origin: unknown. Inheritance: Autosomal dominant inheritance. Affected: yes.
Comment: Criteria applied: PM2,PP2

Literature cited by the submitters: PubMed 30879638.

NM_001256627.2(BRSK2):c.594C>G (p.Asp198Glu)

Gene: BRSK2 (BR serine/threonine kinase 2; plus strand). Cytogenetic location: 11p15.5.
Variant type: single nucleotide variant.
Coding change: c.594C>G on transcript NM_001256627.2 (MANE Select); coding-DNA position 594, C replaced by G.
Protein change: p.Asp198Glu; replaces aspartic acid 198 with glutamic acid.
Molecular consequence: missense variant. On other transcripts: non-coding transcript variant (1).
Genome position (GRCh38, 1-based): chr11:1,443,364, C>G. VCF-style: chr11-1443364-C-G. GRCh37 (hg19) VCF-style: chr11-1464594-C-G.
Other names: c.594C>G, p.Asp198Glu (NM_001256629.2, NM_001440665.1, NM_001440666.1 and 3 more transcripts); c.732C>G, p.Asp244Glu (NM_001256630.1, NM_001440667.1); c.414C>G, p.Asp138Glu (NM_001282218.2, NM_001440669.1, NM_001440671.1 and 5 more transcripts); short protein forms D138E, D198E, D244E.
Identifiers: ClinVar variation 4857451 (VCV004857451.1).